The following is an entry in ClinVar:

NM_002661.5(PLCG2):c.1995G>A (p.Arg665=)

Gene: PLCG2 (phospholipase C gamma 2; plus strand). Cytogenetic location: 16q23.3.
Variant type: single nucleotide variant.
Coding change: c.1995G>A on transcript NM_002661.5 (MANE Select); coding-DNA position 1995, G replaced by A.
Protein change: p.Arg665=; no amino-acid change (arginine 665 retained).
Molecular consequence: synonymous variant.
Genome position (GRCh38, 1-based): chr16:81,912,657, G>A. VCF-style: chr16-81912657-G-A. GRCh37 (hg19) VCF-style: chr16-81946262-G-A.
Identifiers: ClinVar variation 871675 (VCV000871675.41), dbSNP rs781197485, ClinGen allele CA8194032.
Genomic context (GRCh38, chr16:81,912,657, plus strand): 5'-GTGGTACTATGACAGCCTGAGCCGCGGAGAGGCAGAGGACATGCTGATGAGGATTCCCCG[G>A]GACGGGGCCTTCCTGATCCGGAAGCGAGAGGGGAGCGACTCCTATGCCATCACCTTCAGG-3'
Protein context (NP_002652.2, residues 655-675): EAEDMLMRIP[Arg665=]DGAFLIRKRE

ClinVar aggregate classification (germline): Likely benign (1 of 4 stars; one submission).

Allele frequency attached by ClinVar (database versions not stated): gnomAD 0.00001; gnomAD exomes 0.00001; ExAC 0.00002.
gnomAD v4.1: 4 of 1,613,034 alleles (0.00025%); highest among the groups gnomAD compares: Non-Finnish European, 0.00034%; no homozygotes.

Submission:

CeGaT Center for Human Genetics Tuebingen
Classification: Likely benign. Last evaluated: 2026-09-01. Review status: criteria provided, single submitter. Criteria: CeGaT Center For Human Genetics Tuebingen Variant Classification Criteria Version 2. Collection method: clinical testing. Allele origin: germline. Affected: yes. Observed: 1 variant allele.
Comment: PLCG2: BP4, BP7